The following is an entry in ClinVar:

ClinVar aggregate classification (germline): Pathogenic (1 of 4 stars; one submission).

Conditions:
Fanconi anemia (FA). Also called: Fanconi's anemia. Identifiers: Orphanet 84, MedGen C0015625, MeSH D005199, MONDO:0019391.

Submission:

Labcorp Genetics (formerly Invitae), Labcorp
Classification: Pathogenic for Fanconi anemia. Last evaluated: 2023-11-10. Review status: criteria provided, single submitter. Criteria: Invitae Variant Classification Sherloc (09022015). Collection method: clinical testing. Allele origin: unknown.
Comment: This variant is a gross deletion of the genomic region encompassing exon(s) 6 of the FANCL gene. This deletion is out-of-frame, and is expected to create a premature termination codon and result in an absent or disrupted protein product. Loss-of-function variants in FANCL are known to be pathogenic (PMID: 19405097, 23613520). This variant has not been reported in the literature in individuals affected with FANCL-related conditions. For these reasons, this variant has been classified as Pathogenic.

Literature cited by the submitters: PubMed 19405097; PubMed 23613520.

NC_000002.11:g.(?_58431245)_(58433394_?)del

Gene: FANCL (FA complementation group L; minus strand). Cytogenetic location: 2p16.1.
Variant type: Deletion.
Identifiers: ClinVar variation 3247125 (VCV003247125.1).